The following is an entry in ClinVar:

NM_001165963.4(SCN1A):c.4166del (p.Asp1389fs)

Genes: SCN1A (sodium voltage-gated channel alpha subunit 1; minus strand), LOC102724058 (uncharacterized LOC102724058; plus strand). Cytogenetic location: 2q24.3.
Variant type: Deletion.
Coding change: c.4166del on transcript NM_001165963.4 (MANE Select); coding-DNA position 4166, one base deleted (A; older notation c.4166delA).
Protein change: p.Asp1389fs; shifts the reading frame from aspartic acid 1389.
Molecular consequence: frameshift variant. On other transcripts: non-coding transcript variant (1).
Genome position (GRCh38, 1-based): chr2:166,002,590, T deleted on the plus strand (A on the coding strand, the reverse complement: SCN1A is on the minus strand). VCF-style (leftmost placement, unchanged base first): chr2-166002589-GT-G. GRCh37 (hg19) VCF-style: chr2-166859099-GT-G.
Other names: c.4082del, p.Asp1361fs (NM_001165964.3, NM_001353957.2, NM_001353958.2); c.4166del, p.Asp1389fs (NM_001202435.3, NM_001353948.2); c.4133del, p.Asp1378fs (NM_001353949.2, NM_001353950.2, NM_001353951.2 and 2 more transcripts); c.4130del, p.Asp1377fs (NM_001353954.2, NM_001353955.2); c.4079del, p.Asp1360fs (NM_001353960.2); c.1724del, p.Asp575fs (NM_001353961.2); short protein forms D1361fs, D1360fs, D1377fs, D1378fs, D1389fs, D575fs.
Identifiers: ClinVar variation 206915 (VCV000206915.1), dbSNP rs796053077, ClinGen allele CA317733.

ClinVar aggregate classification (germline): Pathogenic (1 of 4 stars; one submission).

Submission:

GeneDx
Classification: Pathogenic. Last evaluated: 2014-03-04. Review status: criteria provided, single submitter. Criteria: GeneDx Variant Classification (06012015). Collection method: clinical testing. Allele origin: germline. Affected: yes.
Comment: c.4166delA: p.Asp1389AlafsX2 (D1389AfsX2) in exon 21 of the SCN1A gene (NM_001165963.1). The normal sequence with the base that is deleted in braces is GAAG{A}CGTG. The c.4166delA mutation in the SCN1A gene causes a frameshift starting with codon Aspartic acid 1389, changes this amino acid to an Alanine residue and creates a premature Stop codon at position 2 of the new reading frame, denoted p.Asp1389AlafsX2. This mutation is predicted to cause loss of normal protein function either through protein truncation or nonsense-mediated mRNA decay. Although this mutation has not been previously reported to our knowledge, its presence is consistent with a diagnosis of an SCN1A-related disorder. The variant is found in EPILEPSY panel(s).